The following is an entry in ClinVar:

ClinVar aggregate classification (germline): Pathogenic (1 of 4 stars; one submission).

Conditions:
Cardiovascular phenotype. Identifiers: MedGen CN230736.
Hereditary cancer-predisposing syndrome. Also called: Tumor predisposition; Hereditary Cancer Syndrome; Neoplastic Syndromes, Hereditary; Hereditary neoplastic syndrome. Identifiers: Orphanet 140162, MedGen C0027672, MeSH D009386, MONDO:0015356.

Submission:

Ambry Genetics
Classification: Pathogenic for Cardiovascular phenotype; Hereditary cancer-predisposing syndrome. Last evaluated: 2020-08-20. Review status: criteria provided, single submitter. Criteria: Ambry Variant Classification Scheme 2023. Collection method: clinical testing. Allele origin: germline.
Comment: The c.28_34delGTCCAGG pathogenic mutation, located in coding exon 1 of the NF1 gene, results from a deletion of 7 nucleotides at nucleotide positions 28 to 34, causing a translational frameshift with a predicted alternate stop codon (p.V10Pfs*12). The predicted stop codon occurs within the first 150 nucleotides of theNF1 gene. This alteration may escape nonsense-mediated mRNAdecay and/or be rescued by re-initiation (Rivas et al. Science. 2015 May 8;348(6235):666-9; Lindeboom et al. Nat Genet. 2016 Oct;48(10):1112-8; Rhee et al. Sci Rep. 2017 May 10;7(1):1653). However, the impacted region is critical for protein function (Ambry internal data). Based on the supporting evidence, this alteration is interpreted as a disease-causing mutation.

NM_001042492.3(NF1):c.28_34del (p.Val10fs)

Genes: NF1 (neurofibromin 1; plus strand), MIR4733HG (MIR4733 host gene; minus strand), LOC111811965 (NF1 (neurofibromin 1) promoter region; plus strand). Cytogenetic location: 17q11.2.
Variant type: Deletion.
Coding change: c.28_34del on transcript NM_001042492.3 (MANE Select); coding-DNA positions 28 to 34, 7 bases deleted (GTCCAGG; older notation c.28_34delGTCCAGG).
Protein change: p.Val10fs; shifts the reading frame from valine 10.
Molecular consequence: frameshift variant. On other transcripts: non-coding transcript variant (1).
Genome position (GRCh38, 1-based): chr17:31,095,337-31,095,343, GTCCAGG deleted; deleting any 7 consecutive bases within chr17:31,095,335-31,095,343 gives the same sequence; the c. name uses the placement nearest the transcript's 3' end. VCF-style (leftmost placement, unchanged base first): chr17-31095334-TGGGTCCA-T. GRCh37 (hg19) VCF-style: chr17-29422352-TGGGTCCA-T.
Other names: c.28_34delGTCCAGG (NM_000267.3); c.28_34delGTCCAGG, p.Val10Profs (NM_000267.4); c.28_34del, p.Val10fs (NM_001128147.3); short protein forms V10fs.
Identifiers: ClinVar variation 1796212 (VCV001796212.2), dbSNP rs2544511279, ClinGen allele CA2580093196.